The following is an entry in ClinVar:

NM_020987.5(ANK3):c.151G>A (p.Ala51Thr)

Gene: ANK3 (ankyrin 3; minus strand). Cytogenetic location: 10q21.2.
Variant type: single nucleotide variant.
Coding change: c.151G>A on transcript NM_020987.5 (MANE Select); coding-DNA position 151, G replaced by A.
Protein change: p.Ala51Thr; replaces alanine 51 with threonine.
Molecular consequence: missense variant.
Genome position (GRCh38, 1-based): chr10:60,279,603, C>T on the plus strand (G>A on the coding strand, the complement: ANK3 is on the minus strand). VCF-style: chr10-60279603-C-T. GRCh37 (hg19) VCF-style: chr10-62039361-C-T.
Other names: c.133G>A, p.Ala45Thr (NM_001204403.2); c.100G>A, p.Ala34Thr (NM_001204404.2); c.151G>A, p.Ala51Thr (NM_001320874.2); short protein forms A51T, A45T, A34T.
Identifiers: ClinVar variation 1348767 (VCV001348767.8), dbSNP rs2098133849, ClinGen allele CA377066280.

ClinVar aggregate classification (germline): Uncertain significance (1 of 4 stars; one submission).

Allele frequency attached by ClinVar (database versions not stated): TOPMed below 0.00001; gnomAD 0.00001.
gnomAD v4.1: 1 of 1,612,074 alleles (0.000062%); highest among the groups gnomAD compares: Non-Finnish European, 0.000085%; no homozygotes.

Submission:

Labcorp Genetics (formerly Invitae), Labcorp
Classification: Uncertain significance. Last evaluated: 2022-10-13. Review status: criteria provided, single submitter. Criteria: Invitae Variant Classification Sherloc (09022015). Collection method: clinical testing. Allele origin: germline.
Comment: In summary, the available evidence is currently insufficient to determine the role of this variant in disease. Therefore, it has been classified as a Variant of Uncertain Significance. Algorithms developed to predict the effect of missense changes on protein structure and function are either unavailable or do not agree on the potential impact of this missense change (SIFT: "Not Available"; PolyPhen-2: "Probably Damaging"; Align-GVGD: "Not Available"). ClinVar contains an entry for this variant (Variation ID: 1348767). This variant has not been reported in the literature in individuals affected with ANK3-related conditions. This variant is not present in population databases (gnomAD no frequency). This sequence change replaces alanine, which is neutral and non-polar, with threonine, which is neutral and polar, at codon 51 of the ANK3 protein (p.Ala51Thr).